The following is an entry in ClinVar:

ClinVar aggregate classification (germline): Likely benign (1 of 4 stars; one submission).

gnomAD v4.1: 3 of 1,613,730 alleles (0.00019%); highest among the groups gnomAD compares: African/African-American, 0.0013%; no homozygotes.

Submission:

CeGaT Center for Human Genetics Tuebingen
Classification: Likely benign. Last evaluated: 2024-12-01. Review status: criteria provided, single submitter. Criteria: CeGaT Center For Human Genetics Tuebingen Variant Classification Criteria Version 2. Collection method: clinical testing. Allele origin: germline. Affected: yes. Observed: 1 variant allele.
Comment: KDM4B: BP4, BP7

NM_015015.3(KDM4B):c.831C>T (p.His277=)

Gene: KDM4B (lysine demethylase 4B; plus strand). Cytogenetic location: 19p13.3.
Variant type: single nucleotide variant.
Coding change: c.831C>T on transcript NM_015015.3 (MANE Select); coding-DNA position 831, C replaced by T.
Protein change: p.His277=; no amino-acid change (histidine 277 retained).
Molecular consequence: synonymous variant.
Genome position (GRCh38, 1-based): chr19:5,082,417, C>T. VCF-style: chr19-5082417-C-T. GRCh37 (hg19) VCF-style: chr19-5082428-C-T.
Other names: c.831C>T, p.His277= (NM_001370093.1, NM_001370094.1, NM_001411148.1).
Identifiers: ClinVar variation 3771015 (VCV003771015.13).